The following is an entry in ClinVar:

ClinVar aggregate classification (germline): Pathogenic (1 of 4 stars; one submission).

Conditions:
Methylmalonic aciduria and homocystinuria type cblF. Also called: COBALAMIN F DISEASE; COBALAMIN, DEFECT IN LYSOSOMAL RELEASE OF; METHYLMALONIC ACIDEMIA AND HOMOCYSTINURIA, cblF TYPE; METHYLMALONIC ACIDURIA DUE TO VITAMIN B12-RELEASE DEFECT; VITAMIN B12 LYSOSOMAL RELEASE DEFECT; VITAMIN B12 STORAGE DISEASE. Identifiers: Orphanet 79284, MedGen C1848578, MONDO:0010183, OMIM 277380.

Submission:

Labcorp Genetics (formerly Invitae), Labcorp
Classification: Pathogenic for Methylmalonic aciduria and homocystinuria type cblF. Last evaluated: 2022-08-23. Review status: criteria provided, single submitter. Criteria: Invitae Variant Classification Sherloc (09022015). Collection method: clinical testing. Allele origin: germline.
Comment: For these reasons, this variant has been classified as Pathogenic. This variant is a gross deletion of the genomic region encompassing exon(s) 4-5 of the LMBRD1 gene. This deletion is out-of-frame, and is expected to create a premature termination codon and result in an absent or disrupted protein product. Loss-of-function variants in LMBRD1 are known to be pathogenic (PMID: 19136951, 21303734). This variant has not been reported in the literature in individuals affected with LMBRD1-related conditions.

Literature cited by the submitters: PubMed 19136951; PubMed 21303734.

NC_000006.11:g.(?_70459213)_(70462268_?)del

Gene: LMBRD1 (LMBR1 domain containing 1; minus strand). Cytogenetic location: 6q13.
Variant type: Deletion.
Identifiers: ClinVar variation 1459108 (VCV001459108.9).